The following is an entry in ClinVar:

NC_000006.11:g.(?_3154097)_(3226065_?)dup

Genes: TUBB2A (tubulin beta 2A class IIa; minus strand), TUBB2B (tubulin beta 2B class IIb; minus strand). Cytogenetic location: 6p25.2.
Variant type: Duplication.
Identifiers: ClinVar variation 1410071 (VCV001410071.2).

ClinVar aggregate classification (germline): Uncertain significance (1 of 4 stars; one submission).

Submission:

Labcorp Genetics (formerly Invitae), Labcorp
Classification: Uncertain significance. Last evaluated: 2022-07-01. Review status: criteria provided, single submitter. Criteria: Invitae Variant Classification Sherloc (09022015). Collection method: clinical testing. Allele origin: germline.
Comment: This variant results in a copy number gain of the genomic region encompassing exon(s) 4 of the TUBB2B gene. This region includes the termination codon of the gene. This copy number gain extends beyond the assayed region for this gene and therefore may encompass additional genes. As the precise location of this event is unknown, it may be in tandem or it may be located elsewhere in the genome. This variant has not been reported in the literature in individuals affected with TUBB2B-related conditions. In summary, the available evidence is currently insufficient to determine the role of this variant in disease. Therefore, it has been classified as a Variant of Uncertain Significance.